The following is an entry in ClinVar:

ClinVar aggregate classification (germline): Uncertain significance (1 of 4 stars; one submission).

Allele frequency attached by ClinVar (database versions not stated): ExAC 0.00001.
gnomAD v4.1: 1 of 1,610,542 alleles (0.000062%); highest among the groups gnomAD compares: Non-Finnish European, 0.000085%; no homozygotes.

Submission:

Labcorp Genetics (formerly Invitae), Labcorp
Classification: Uncertain significance. Last evaluated: 2022-11-10. Review status: criteria provided, single submitter. Criteria: Invitae Variant Classification Sherloc (09022015). Collection method: clinical testing. Allele origin: germline.
Comment: In summary, the available evidence is currently insufficient to determine the role of this variant in disease. Therefore, it has been classified as a Variant of Uncertain Significance. Algorithms developed to predict the effect of missense changes on protein structure and function are either unavailable or do not agree on the potential impact of this missense change (SIFT: "Not Available"; PolyPhen-2: "Benign"; Align-GVGD: "Not Available"). Algorithms developed to predict the effect of sequence changes on RNA splicing suggest that this variant may create or strengthen a splice site. This sequence change replaces alanine, which is neutral and non-polar, with valine, which is neutral and non-polar, at codon 99 of the CRADD protein (p.Ala99Val). This variant has not been reported in the literature in individuals affected with CRADD-related conditions. This variant is present in population databases (rs753259148, gnomAD 0.0009%).

NM_003805.5(CRADD):c.296C>T (p.Ala99Val)

Gene: CRADD (CARD and death domain containing adaptor protein; plus strand). Cytogenetic location: 12q22.
Variant type: single nucleotide variant.
Coding change: c.296C>T on transcript NM_003805.5 (MANE Select); coding-DNA position 296, C replaced by T.
Protein change: p.Ala99Val; replaces alanine 99 with valine.
Molecular consequence: missense variant. On other transcripts: non-coding transcript variant (1).
Genome position (GRCh38, 1-based): chr12:93,679,070, C>T. VCF-style: chr12-93679070-C-T. GRCh37 (hg19) VCF-style: chr12-94072846-C-T.
Other names: c.296C>T, p.Ala99Val (NM_001320099.2, NM_001320100.2, NM_001320101.3 and 1 more transcripts); short protein forms A99V.
Identifiers: ClinVar variation 2877306 (VCV002877306.3), dbSNP rs753259148, ClinGen allele CA6720167.